The following is an entry in ClinVar:

NM_001332.4(CTNND2):c.952_957dup (p.Ile319_Val320insAsnIle)

Gene: CTNND2 (catenin delta 2; minus strand). Cytogenetic location: 5p15.2.
Variant type: Duplication.
Coding change: c.952_957dup on transcript NM_001332.4 (MANE Select); coding-DNA positions 952 to 957, 6 bases duplicated (AACATC; older notation c.952_957dupAACATC).
Protein change: p.Ile319_Val320insAsnIle.
Molecular consequence: intron variant (on NM_001288717.2).
Genome position (GRCh38, 1-based): chr5:11,384,885-11,384,890, GATGTT duplicated on the plus strand (AACATC on the coding strand, the reverse complement: CTNND2 is on the minus strand); duplicating any 6 consecutive bases within chr5:11,384,885-11,384,894 gives the same sequence; the c. name uses the placement nearest the transcript's 3' end. VCF-style (leftmost placement, unchanged base first): chr5-11384884-C-CGATGTT. GRCh37 (hg19) VCF-style: chr5-11384996-C-CGATGTT.
Other names: c.679_684dup, p.Ile228_Val229insAsnIle (NM_001288715.1); c.-123+12141_-123+12146dup (NM_001288717.2); c.167-20000_167-19995dup (NM_001364128.2, NM_001288716.1).
Identifiers: ClinVar variation 3051558 (VCV003051558.2), dbSNP rs753645178, ClinGen allele CA2740091689.

ClinVar aggregate classification (germline): Uncertain significance (0 of 4 stars; one submission).

Conditions:
CTNND2-related disorder. Also called: CTNND2-related condition.

Submission:

PreventionGenetics, part of Exact Sciences
Classification: Uncertain significance for CTNND2-related condition. Last evaluated: 2024-02-14. Review status: no assertion criteria provided. Collection method: clinical testing. Allele origin: germline.
Comment: The CTNND2 c.952_957dup6 variant is predicted to result in an in-frame duplication (p.Asn318_Ile319dup). To our knowledge, this variant has not been reported in the literature or in a large population database, indicating this variant is rare. At this time, the clinical significance of this variant is uncertain due to the absence of conclusive functional and genetic evidence.